The following is an entry in ClinVar:

ClinVar aggregate classification (germline): drug response (0 of 4 stars; one submission).

Conditions:
Warfarin response. Also called: Warfarin sensitivity; COUMARIN SENSITIVITY; COUMARIN, POOR METABOLISM OF; WARFARIN RESISTANCE; Coumarin resistance; Coumadin response. Identifiers: MedGen C0750384, MONDO:0007390, OMIM 122700.

Submission:

Department of Genetics, Osmania University
Classification: drug response. Review status: no assertion criteria provided. Collection method: not provided. Allele origin: unknown.
Comment: "Insertion of ""G"" at -1586 position in the promoter region of VKORC1 gene causing Warfarin resistance"
ClinVar note: Converted during submission from drug-response to drug response.

NG_011564.1(VKORC1):g.3639dup

Gene: VKORC1 (vitamin K epoxide reductase complex subunit 1; minus strand). Cytogenetic location: 16p11.2.
Variant type: Duplication.
Genome position: GRCh38 VCF-style: chr16-31096316-A-AC. GRCh37 (hg19) VCF-style: chr16-31107637-A-AC.
Identifiers: ClinVar variation 60671 (VCV000060671.3), dbSNP rs397509427, ClinGen allele CA210587.